The following is an entry in ClinVar:

NM_001868.4(CPA1):c.1101G>T (p.Trp367Cys)

Gene: CPA1 (carboxypeptidase A1; plus strand). Cytogenetic location: 7q32.2.
Variant type: single nucleotide variant.
Coding change: c.1101G>T on transcript NM_001868.4 (MANE Select); coding-DNA position 1101, G replaced by T.
Protein change: p.Trp367Cys; replaces tryptophan 367 with cysteine.
Molecular consequence: missense variant.
Genome position (GRCh38, 1-based): chr7:130,387,852, G>T. VCF-style: chr7-130387852-G-T. GRCh37 (hg19) VCF-style: chr7-130027693-G-T.
Other names: short protein forms W367C.
Identifiers: ClinVar variation 4233075 (VCV004233075.1).
Genomic context (GRCh38, chr7:130,387,852, plus strand): 5'-ACCCTTTCTCTCCTATTTTACTCCTGCCCCAGATCAAGCCAGTGGAAGCACTATTGACTG[G>T]ACCTACAGCCAGGGCATCAAGTACTCCTTCACCTTCGAGCTCCGGGACACTGGGCGCTAT-3'
Protein context (NP_001859.1, residues 357-377): IYQASGSTID[Trp367Cys]TYSQGIKYSF

ClinVar aggregate classification (germline): Uncertain significance (1 of 4 stars; one submission).

Conditions:
Hereditary pancreatitis (PCTT). Also called: Hereditary chronic pancreatitis; PRSS1-Related Hereditary Pancreatitis. Identifiers: Orphanet 676, MedGen C0238339, MONDO:0008185, OMIM 167800.

gnomAD v4.1: 11 of 1,614,076 alleles (0.00068%); highest among the groups gnomAD compares: Non-Finnish European, 0.00093%; no homozygotes.

Submission:

Ambry Genetics
Classification: Uncertain significance for Hereditary pancreatitis. Last evaluated: 2025-09-08. Review status: criteria provided, single submitter. Criteria: Ambry Variant Classification Scheme 2023. Collection method: clinical testing. Allele origin: germline.
Comment: The p.W367C variant (also known as c.1101G>T), located in coding exon 10 of the CPA1 gene, results from a G to T substitution at nucleotide position 1101. The tryptophan at codon 367 is replaced by cysteine, an amino acid with highly dissimilar properties. This amino acid position is highly conserved in available vertebrate species. In addition, this alteration is predicted to be deleterious by in silico analysis. Based on the available evidence, the clinical significance of this variant remains unclear.